The following is an entry in ClinVar:

ClinVar aggregate classification (germline): Uncertain significance (1 of 4 stars; one submission).

Conditions:
Hereditary pancreatitis (PCTT). Also called: Hereditary chronic pancreatitis; PRSS1-Related Hereditary Pancreatitis. Identifiers: Orphanet 676, MedGen C0238339, MONDO:0008185, OMIM 167800.

gnomAD v4.1: 3 of 1,613,514 alleles (0.00019%); highest among the groups gnomAD compares: East Asian, 0.0067%; no homozygotes.

Submission:

Ambry Genetics
Classification: Uncertain significance for Hereditary pancreatitis. Last evaluated: 2025-12-02. Review status: criteria provided, single submitter. Criteria: Ambry Variant Classification Scheme 2023. Collection method: clinical testing. Allele origin: germline.
Comment: The c.-2C>A variant is located in the 5' untranslated region (5&rsquo; UTR) of the SPINK1 gene. This variant results from a C to A substitution 2 bases upstream from the first translated codon. This alteration was identified in an individual diagnosed with chronic pancreatitis (Derikx MH et al. Am J Physiol Gastrointest Liver Physiol, 2015 May;308:G779-84). This nucleotide position is well conserved in available vertebrate species. Based on the available evidence, the clinical significance of this variant remains unclear.

Literature cited by the submitters: PubMed 25792561.

NM_001379610.1(SPINK1):c.-2C>A

Gene: SPINK1 (serine peptidase inhibitor Kazal type 1; minus strand). Cytogenetic location: 5q32.
Variant type: single nucleotide variant.
Coding change: c.-2C>A on transcript NM_001379610.1 (MANE Select); 2 bases upstream of the start codon, C replaced by A.
Molecular consequence: 5 prime UTR variant.
Genome position (GRCh38, 1-based): chr5:147,831,579, G>T on the plus strand (C>A on the coding strand, the complement: SPINK1 is on the minus strand). VCF-style: chr5-147831579-G-T. GRCh37 (hg19) VCF-style: chr5-147211142-G-T.
Other names: c.-2C>A (NM_001354966.2, NM_003122.5).
Identifiers: ClinVar variation 4560867 (VCV004560867.1).